The following is an entry in ClinVar:

ClinVar aggregate classification (germline): Likely benign. Review status: criteria provided, multiple submitters, no conflicts (2 of 4 stars). 2 submissions from 2 submitters: Likely benign (2). Last evaluated 2018-06-19.

Allele frequency attached by ClinVar (database versions not stated): gnomAD exomes 0.01236; ESP Exome Variant Server 0.01511; 1000 Genomes Project 0.01558; 1000 Genomes Project 30x 0.01749; TOPMed 0.01991; gnomAD 0.02090 and 0.02193.

Submissions (2):

GeneDx
Classification: Likely benign. Last evaluated: 2018-06-19. Review status: criteria provided, single submitter. Criteria: GeneDx Variant Classification (06012015). Collection method: clinical testing. Allele origin: germline. Affected: yes.
Comment: This variant is considered likely benign or benign based on one or more of the following criteria: it is a conservative change, it occurs at a poorly conserved position in the protein, it is predicted to be benign by multiple in silico algorithms, and/or has population frequency not consistent with disease.

Breakthrough Genomics
Classification: Likely benign. Review status: criteria provided, single submitter. Criteria: ACMG Guidelines, 2015. Collection method: not provided. Allele origin: germline. Inheritance: Autosomal recessive inheritance. Affected: yes.

NM_000432.4(MYL2):c.3+65G>A

Genes: MYL2 (myosin light chain 2; minus strand), LOC114827850 (VISTA enhancer hs2149; plus strand). Cytogenetic location: 12q24.11.
Variant type: single nucleotide variant.
Coding change: c.3+65G>A on transcript NM_000432.4 (MANE Select); 65 bases into the intron after coding-DNA position 3, G replaced by A.
Molecular consequence: intron variant.
Genome position (GRCh38, 1-based): chr12:110,920,462, C>T on the plus strand (G>A on the coding strand, the complement: MYL2 is on the minus strand). VCF-style: chr12-110920462-C-T. GRCh37 (hg19) VCF-style: chr12-111358266-C-T.
Identifiers: ClinVar variation 671318 (VCV000671318.2), dbSNP rs76139625, ClinGen allele CA243566702.